The following is an entry in ClinVar:

NM_000052.7(ATP7A):c.2047C>T (p.His683Tyr)

Gene: ATP7A (ATPase copper transporting alpha; plus strand). Cytogenetic location: Xq21.1.
Variant type: single nucleotide variant.
Coding change: c.2047C>T on transcript NM_000052.7 (MANE Select); coding-DNA position 2047, C replaced by T.
Protein change: p.His683Tyr; replaces histidine 683 with tyrosine.
Molecular consequence: missense variant.
Genome position (GRCh38, 1-based): chrX:78,011,549, C>T. VCF-style: chrX-78011549-C-T. GRCh37 (hg19) VCF-style: chrX-77267046-C-T.
Other names: c.2047C>T, p.His683Tyr (NM_001282224.2); short protein forms H683Y.
Identifiers: ClinVar variation 1204160 (VCV001204160.3), dbSNP rs782729792, ClinGen allele CA10459191.

ClinVar aggregate classification (germline): Uncertain significance (1 of 4 stars; one submission).

Allele frequency attached by ClinVar (database versions not stated): gnomAD exomes below 0.00001 and 0.00001; ExAC 0.00001.

Submission:

GeneDx
Classification: Uncertain significance. Last evaluated: 2019-09-12. Review status: criteria provided, single submitter. Criteria: GeneDx Variant Classification Process June 2021. Collection method: clinical testing. Allele origin: germline. Affected: yes.
Comment: Not observed at a significant frequency in large population cohorts (Lek et al., 2016); In silico analysis, which includes protein predictors and evolutionary conservation, supports that this variant does not alter protein structure/function; Has not been previously published as pathogenic or benign to our knowledge